The following is an entry in ClinVar:

NM_170606.3(KMT2C):c.13856G>A (p.Gly4619Asp)

Gene: KMT2C (lysine methyltransferase 2C; minus strand). Cytogenetic location: 7q36.1.
Variant type: single nucleotide variant.
Coding change: c.13856G>A on transcript NM_170606.3 (MANE Select); coding-DNA position 13856, G replaced by A.
Protein change: p.Gly4619Asp; replaces glycine 4619 with aspartic acid.
Molecular consequence: missense variant.
Genome position (GRCh38, 1-based): chr7:152,148,071, C>T on the plus strand (G>A on the coding strand, the complement: KMT2C is on the minus strand). VCF-style: chr7-152148071-C-T. GRCh37 (hg19) VCF-style: chr7-151845156-C-T.
Other names: short protein forms G4619D.
Identifiers: ClinVar variation 3047485 (VCV003047485.2), dbSNP rs766263288, ClinGen allele CA4578582.

ClinVar aggregate classification (germline): Uncertain significance (0 of 4 stars; one submission).

Conditions:
KMT2C-related disorder. Also called: KMT2C-related disorders; KMT2C-related condition.

Allele frequency attached by ClinVar (database versions not stated): gnomAD exomes 0.00001; ExAC 0.00002; TOPMed 0.00002; gnomAD 0.00003.
gnomAD v4.1: 16 of 1,601,088 alleles (0.001%); highest among the groups gnomAD compares: Middle Eastern, 0.017%; no homozygotes.

Submission:

PreventionGenetics, part of Exact Sciences
Classification: Uncertain significance for KMT2C-related condition. Last evaluated: 2023-10-26. Review status: no assertion criteria provided. Collection method: clinical testing. Allele origin: germline.
Comment: The KMT2C c.13856G>A variant is predicted to result in the amino acid substitution p.Gly4619Asp. To our knowledge, this variant has not been reported in the literature. This variant is reported in 0.0088% of alleles in individuals of Latino descent in gnomAD. At this time, the clinical significance of this variant is uncertain due to the absence of conclusive functional and genetic evidence.